The following is an entry in ClinVar:

ClinVar aggregate classification (germline): Uncertain significance (1 of 4 stars; one submission).

Conditions:
Inborn genetic diseases. Identifiers: MedGen C0950123, MeSH D030342.

Submission:

Ambry Genetics
Classification: Uncertain significance for Inborn genetic diseases. Last evaluated: 2022-02-05. Review status: criteria provided, single submitter. Criteria: Ambry Variant Classification Scheme 2023. Collection method: clinical testing. Allele origin: germline.
Comment: The p.S663P variant (also known as c.1987T>C), located in coding exon 9 of the ATR gene, results from a T to C substitution at nucleotide position 1987. The serine at codon 663 is replaced by proline, an amino acid with similar properties. This amino acid position is conserved. In addition, this alteration is predicted to be tolerated by in silico analysis. Since supporting evidence is limited at this time, the clinical significance of this alteration remains unclear.

NM_001184.4(ATR):c.1987T>C (p.Ser663Pro)

Gene: ATR (ATR checkpoint kinase; minus strand). Cytogenetic location: 3q23.
Variant type: single nucleotide variant.
Coding change: c.1987T>C on transcript NM_001184.4 (MANE Select); coding-DNA position 1987, T replaced by C.
Protein change: p.Ser663Pro; replaces serine 663 with proline.
Molecular consequence: missense variant.
Genome position (GRCh38, 1-based): chr3:142,556,474, A>G on the plus strand (T>C on the coding strand, the complement: ATR is on the minus strand). VCF-style: chr3-142556474-A-G. GRCh37 (hg19) VCF-style: chr3-142275316-A-G.
Other names: c.1795T>C, p.Ser599Pro (NM_001354579.2); short protein forms S599P, S663P.
Identifiers: ClinVar variation 1783893 (VCV001783893.2), dbSNP rs2108473051, ClinGen allele CA354819301.
Genomic context (GRCh38, chr3:142,556,474, plus strand): 5'-TCTGCTGCTGCAATAAGATAAAAAATCCACTAACACAACTAGCCCGGATTACTTCATGGG[A>G]GCTCTGCAGGGCCCAGTTGTAAACTGCTGTTCTCCACTCAAGGAATATTCTTCTTGGAAA-3'
Protein context (NP_001175.2, residues 653-673): TAVYNWALQS[Ser663Pro]HEVIRASCVS